The following is an entry in ClinVar:

ClinVar aggregate classification (germline): Uncertain significance. Review status: criteria provided, multiple submitters, no conflicts (2 of 4 stars). 5 submissions from 5 submitters: Uncertain significance (4). 1 of the submissions does not count toward it. Last evaluated 2026-03-01.

Conditions:
MERTK-related disorder. Also called: MERTK-related condition.
Retinal dystrophy. Also called: Inherited retinal dystrophy. Identifiers: Orphanet 71862, MedGen C0854723, MeSH D058499, MONDO:0019118, HP:0000556.
Inborn genetic diseases. Identifiers: MedGen C0950123, MeSH D030342.

Allele frequency attached by ClinVar (database versions not stated): TOPMed 0.00004.
gnomAD v4.1: 53 of 1,613,448 alleles (0.0033%); highest among the groups gnomAD compares: Non-Finnish European, 0.0044%; no homozygotes.

Submissions (5):

PreventionGenetics, part of Exact Sciences
Classification: Uncertain significance for MERTK-related condition. Last evaluated: 2026-03-01. Review status: criteria provided, single submitter. Criteria: ACMG Guidelines, 2015. Collection method: clinical testing. Allele origin: germline.
Comment: The MERTK c.515C>G variant is predicted to result in the amino acid substitution p.Ser172Trp. To our knowledge, this variant has not been reported in the literature. This variant is reported in 0.0085% of alleles in individuals of European (Non-Finnish) descent in gnomAD. At this time, the clinical significance of this variant is uncertain due to the absence of conclusive functional and genetic evidence.

Labcorp Genetics (formerly Invitae), Labcorp
Classification: Uncertain significance. Last evaluated: 2022-10-19. Review status: criteria provided, single submitter. Criteria: Invitae Variant Classification Sherloc (09022015). Collection method: clinical testing. Allele origin: germline.
Comment: This sequence change replaces serine, which is neutral and polar, with tryptophan, which is neutral and slightly polar, at codon 172 of the MERTK protein (p.Ser172Trp). This variant is present in population databases (rs143570667, gnomAD 0.009%). This variant has not been reported in the literature in individuals affected with MERTK-related conditions. ClinVar contains an entry for this variant (Variation ID: 959719). Advanced modeling of protein sequence and biophysical properties (such as structural, functional, and spatial information, amino acid conservation, physicochemical variation, residue mobility, and thermodynamic stability) performed at Invitae indicates that this missense variant is not expected to disrupt MERTK protein function. In summary, the available evidence is currently insufficient to determine the role of this variant in disease. Therefore, it has been classified as a Variant of Uncertain Significance.

Ambry Genetics
Classification: Uncertain significance for Inborn genetic diseases. Last evaluated: 2022-09-27. Review status: criteria provided, single submitter. Criteria: Ambry Variant Classification Scheme 2023. Collection method: clinical testing. Allele origin: germline.

Blueprint Genetics
Classification: Uncertain significance. Last evaluated: 2022-09-09. Review status: criteria provided, single submitter. Criteria: ACMG Guidelines, 2015. Collection method: clinical testing. Allele origin: germline.

Institute of Human Genetics, Univ. Regensburg, Univ. Regensburg
Classification: Uncertain significance for Retinal dystrophy. Last evaluated: 2022-01-01. Review status: no assertion criteria provided. Criteria: ACMG Guidelines, 2015. Collection method: clinical testing. Allele origin: germline. Affected: yes. Not counted in ClinVar's aggregate classification.

NM_006343.3(MERTK):c.515C>G (p.Ser172Trp)

Gene: MERTK (MER proto-oncogene, tyrosine kinase; plus strand). Cytogenetic location: 2q13.
Variant type: single nucleotide variant.
Coding change: c.515C>G on transcript NM_006343.3 (MANE Select); coding-DNA position 515, C replaced by G.
Protein change: p.Ser172Trp; replaces serine 172 with tryptophan.
Molecular consequence: missense variant.
Genome position (GRCh38, 1-based): chr2:111,944,992, C>G. VCF-style: chr2-111944992-C-G. GRCh37 (hg19) VCF-style: chr2-112702569-C-G.
Other names: short protein forms S172W.
Identifiers: ClinVar variation 959719 (VCV000959719.8), dbSNP rs143570667, ClinGen allele CA1831063.